The following is an entry in ClinVar:

NM_002693.3(POLG):c.336dup (p.Trp113fs)

Genes: POLGARF (POLG alternative reading frame; minus strand), POLG (DNA polymerase gamma, catalytic subunit; minus strand). Cytogenetic location: 15q26.1.
Variant type: Duplication.
Coding change: c.336dup on transcript NM_002693.3 (MANE Select); coding-DNA position 336, one base duplicated (C; older notation c.336dupC).
Protein change: p.Trp113fs; shifts the reading frame from tryptophan 113.
Molecular consequence: frameshift variant.
Genome position (GRCh38, 1-based): chr15:89,333,419, G duplicated on the plus strand (C on the coding strand, the reverse complement: POLG is on the minus strand). VCF-style (leftmost placement, unchanged base first): chr15-89333418-A-AG. GRCh37 (hg19) VCF-style: chr15-89876649-A-AG.
Other names: c.391dup, p.Leu131fs (NM_001430120.1); c.336dup, p.Trp113fs (NM_001126131.2); short protein forms L131fs, W113fs.
Identifiers: ClinVar variation 5013557 (VCV005013557.1).
Genomic context (GRCh38, chr15:89,333,418, plus strand): 5'-CCCCGTAGAGGGGCGGCAGGCGCAGCTCCACGTCGGGCAAGGGCACGGCTGGCTGCCCCC[A>AG]GAGCCCGTGCTTCTGCAGGTGCTCGACGCTGCGGCGCACCGCGGCCTCGCCAGGCATCTC-3'

ClinVar aggregate classification (germline): Pathogenic (1 of 4 stars; one submission).

Conditions:
POLG-related disorder. Also called: POLG-Related Spectrum Disorders; POLG-related condition; POLG-Related Disorders. Identifiers: MedGen C4763519.

Submission:

Myriad Genetics, Inc.
Classification: Pathogenic for POLG-related disorder. Last evaluated: 2024-09-17. Review status: criteria provided, single submitter. Criteria: Myriad Autosomal Dominant, Autosomal Recessive and X-Linked Classification Criteria (2023). Collection method: clinical testing. Allele origin: unknown.
Comment: NM_002693.2(POLG):c.336dupC(W113Lfs*131) is expected to be pathogenic in the context of POLG-related disorders. This variant is predicted to lead to an abnormal or absent protein product due to the creation of a premature termination codon in POLG, a gene where loss-of-function variants are known to be pathogenic. Please note: this variant was assessed in the context of healthy population screening.